The following is an entry in ClinVar:

NM_001042492.3(NF1):c.5883G>A (p.Lys1961=)

Gene: NF1 (neurofibromin 1; plus strand). Cytogenetic location: 17q11.2.
Variant type: single nucleotide variant.
Coding change: c.5883G>A on transcript NM_001042492.3 (MANE Select); coding-DNA position 5883, G replaced by A.
Protein change: p.Lys1961=; no amino-acid change (lysine 1961 retained).
Molecular consequence: synonymous variant.
Genome position (GRCh38, 1-based): chr17:31,334,908, G>A. VCF-style: chr17-31334908-G-A. GRCh37 (hg19) VCF-style: chr17-29661926-G-A.
Other names: c.5820G>A, p.Lys1940= (NM_000267.4).
Identifiers: ClinVar variation 184711 (VCV000184711.22), dbSNP rs144808600, ClinGen allele CA189798.

ClinVar aggregate classification (germline): Benign/Likely benign. Review status: criteria provided, multiple submitters, no conflicts (2 of 4 stars). 11 submissions from 11 submitters: Benign (5); Likely benign (5). 1 of the submissions does not count toward it. Last evaluated 2026-05-20.

Conditions:
NF1-related disorder. Also called: NF1-related condition. Identifiers: MedGen CN379171.
Hereditary cancer-predisposing syndrome. Also called: Tumor predisposition; Neoplastic Syndromes, Hereditary; Hereditary neoplastic syndrome; Hereditary Cancer Syndrome. Identifiers: Orphanet 140162, MedGen C0027672, MeSH D009386, MONDO:0015356.
Neurofibromatosis, type 1 (NF1). Also called: NEUROFIBROMATOSIS, TYPE I, SOMATIC; Peripheral type neurofibromatosis; VON RECKLINGHAUSEN DISEASE; Neurofibromatosis, type I. Identifiers: Orphanet 636, MedGen C0027831, MONDO:0018975, OMIM 162200. Disease mechanism: loss of function.

Allele frequency attached by ClinVar (database versions not stated): gnomAD exomes 0.00003 and 0.00010; ExAC 0.00014; gnomAD 0.00026; TOPMed 0.00032; ESP Exome Variant Server 0.00054; 1000 Genomes Project 30x 0.00094; 1000 Genomes Project 0.00100.
gnomAD v4.1: 80 of 1,613,784 alleles (0.005%); highest among the groups gnomAD compares: African/African-American, 0.091%; no homozygotes.

Submissions (11):

Myriad Genetics, Inc.
Classification: Benign for Neurofibromatosis, type 1. Last evaluated: 2026-05-20. Review status: criteria provided, single submitter. Criteria: Myriad Autosomal Dominant, Autosomal Recessive and X-Linked Classification Criteria (2023). Collection method: clinical testing. Allele origin: unknown.
Comment: This variant is considered benign. This variant is a silent/synonymous amino acid change and it is not expected to impact splicing.

Institute for Biomarker Research, Medical Diagnostic Laboratories, L.L.C.
Classification: Benign for Hereditary cancer-predisposing syndrome. Last evaluated: 2026-04-13. Review status: criteria provided, single submitter. Criteria: ACMG Guidelines, 2015. Collection method: clinical testing. Allele origin: germline.
Comment: The synonymous variant NM_000267.3(NF1):c.5820G>A (p.Lys1940=) has been reported to ClinVar as Benign/Likely benign with a status of (2 stars) criteria provided, multiple submitters, no conflicts (Accession: VCV000184711.19). The variant is observed in one or more well-documented healthy adults. The p.Lys1940= variant is observed in 5/5,008 (0.0998%) alleles from individuals of 1kG All background in 1kG, which is greater than expected for the disorder. The p.Lys1940= variant is not predicted to disrupt an existing splice site. The p.Lys1940= variant results in a substitution of a base that is not predicted conserved by GERP++ and PhyloP. For these reasons, this variant has been classified as Benign.

Labcorp Genetics (formerly Invitae), Labcorp
Classification: Benign for Neurofibromatosis, type 1. Last evaluated: 2026-01-26. Review status: criteria provided, single submitter. Criteria: Invitae Variant Classification Sherloc (09022015). Collection method: clinical testing. Allele origin: germline.

Blueprint Genetics
Classification: Likely benign. Last evaluated: 2024-10-23. Review status: criteria provided, single submitter. Criteria: ACMG Guidelines, 2015. Collection method: clinical testing. Allele origin: germline.

Genome-Nilou Lab
Classification: Benign for Neurofibromatosis, type 1. Last evaluated: 2022-03-15. Review status: criteria provided, single submitter. Criteria: ACMG Guidelines, 2015. Collection method: clinical testing. Allele origin: germline. Affected: no.

Sema4
Classification: Benign for Hereditary cancer-predisposing syndrome. Last evaluated: 2022-01-01. Review status: criteria provided, single submitter. Criteria: Sema4 Curation Guidelines. Collection method: curation. Allele origin: germline.

Genetic Services Laboratory, University of Chicago
Classification: Likely benign. Last evaluated: 2021-04-15. Review status: criteria provided, single submitter. Criteria: ACMG Guidelines, 2015. Collection method: clinical testing. Allele origin: germline. Affected: no.

GeneDx
Classification: Likely benign. Last evaluated: 2021-01-12. Review status: criteria provided, single submitter. Criteria: GeneDx Variant Classification Process June 2021. Collection method: clinical testing. Allele origin: germline. Affected: yes.

Women's Health and Genetics/Laboratory Corporation of America, LabCorp
Classification: Likely benign. Last evaluated: 2020-11-12. Review status: criteria provided, single submitter. Criteria: LabCorp Variant Classification Summary - May 2015. Collection method: clinical testing. Allele origin: germline.

Ambry Genetics
Classification: Likely benign for Hereditary cancer-predisposing syndrome. Last evaluated: 2014-12-15. Review status: criteria provided, single submitter. Criteria: Ambry Autosomal Dominant and X-Linked criteria (10/2015). Collection method: clinical testing. Allele origin: germline. Observed: 1 variant allele.

PreventionGenetics, part of Exact Sciences
Classification: Likely benign for NF1-related condition. Last evaluated: 2019-05-31. Review status: no assertion criteria provided. Collection method: clinical testing. Allele origin: germline. Not counted in ClinVar's aggregate classification.
Comment: This variant is classified as likely benign based on ACMG/AMP sequence variant interpretation guidelines (Richards et al. 2015 PMID: 25741868, with internal and published modifications).

Literature cited by the submitters: PubMed 10678181 (cited by Women's Health and Genetics/Laboratory Corporation of America, LabCorp); PubMed 23460398 (cited by Women's Health and Genetics/Laboratory Corporation of America, LabCorp); PubMed 27069254 (cited by Women's Health and Genetics/Laboratory Corporation of America, LabCorp).